The following is an entry in ClinVar:

ClinVar aggregate classification (germline): Benign (1 of 4 stars; one submission).

Conditions:
Melanoma, cutaneous malignant, susceptibility to, 3. Also called: Cutaneous malignant melanoma 3. Identifiers: Orphanet 618, MedGen C1836892, MONDO:0012183, OMIM 609048.

gnomAD v4.1: 1 of 1,614,020 alleles (0.000062%); highest among the groups gnomAD compares: Non-Finnish European, 0.000085%; no homozygotes.

Submission:

Myriad Genetics, Inc.
Classification: Benign for Melanoma, cutaneous malignant, susceptibility to, 3. Last evaluated: 2024-09-26. Review status: criteria provided, single submitter. Criteria: Myriad Autosomal Dominant, Autosomal Recessive and X-Linked Classification Criteria (2023). Collection method: clinical testing. Allele origin: unknown.
Comment: This variant is considered benign. This variant is a silent/synonymous amino acid change and it is not expected to impact splicing.

NM_000075.4(CDK4):c.811C>T (p.Leu271=)

Genes: CDK4 (cyclin dependent kinase 4; minus strand), TSPAN31 (tetraspanin 31; plus strand). Cytogenetic location: 12q14.1.
Variant type: single nucleotide variant.
Coding change: c.811C>T on transcript NM_000075.4 (MANE Select); coding-DNA position 811, C replaced by T.
Protein change: p.Leu271=; no amino-acid change (leucine 271 retained).
Molecular consequence: synonymous variant. On other transcripts: 3 prime UTR variant (3).
Genome position (GRCh38, 1-based): chr12:57,749,190, G>A on the plus strand (C>T on the coding strand, the complement: CDK4 is on the minus strand). VCF-style: chr12-57749190-G-A. GRCh37 (hg19) VCF-style: chr12-58142973-G-A.
Other names: c.*1900G>A (NM_001330168.2, NM_001330169.2, NM_005981.5).
Identifiers: ClinVar variation 3378667 (VCV003378667.1).